The following is an entry in ClinVar:

ClinVar aggregate classification (germline): Pathogenic (1 of 4 stars; one submission).

Submission:

Labcorp Genetics (formerly Invitae), Labcorp
Classification: Pathogenic. Last evaluated: 2023-12-09. Review status: criteria provided, single submitter. Criteria: Invitae Variant Classification Sherloc (09022015). Collection method: clinical testing. Allele origin: germline.
Comment: This sequence change creates a premature translational stop signal (p.Cys1162Glyfs*56) in the TTC37 gene. It is expected to result in an absent or disrupted protein product. Loss-of-function variants in TTC37 are known to be pathogenic (PMID: 20176027, 21120949). This variant is present in population databases (no rsID available, gnomAD 0.006%). This variant has not been reported in the literature in individuals affected with TTC37-related conditions. For these reasons, this variant has been classified as Pathogenic.

Literature cited by the submitters: PubMed 20176027; PubMed 21120949.

NM_014639.4(SKIC3):c.3481_3482dup (p.Cys1162fs)

Gene: SKIC3 (SKI3 subunit of superkiller complex; minus strand). Cytogenetic location: 5q15.
Variant type: Microsatellite.
Coding change: c.3481_3482dup on transcript NM_014639.4 (MANE Select); coding-DNA positions 3481 to 3482, 2 bases duplicated (AG; older notation c.3481_3482dupAG).
Protein change: p.Cys1162fs; shifts the reading frame from cysteine 1162.
Molecular consequence: frameshift variant.
Genome position (GRCh38, 1-based): chr5:95,498,451-95,498,452, CT duplicated on the plus strand (AG on the coding strand, the reverse complement: SKIC3 is on the minus strand); duplicating any 2 consecutive bases within chr5:95,498,451-95,498,454 gives the same sequence; the c. name uses the placement nearest the transcript's 3' end. VCF-style (leftmost placement, unchanged base first): chr5-95498450-C-CCT. GRCh37 (hg19) VCF-style: chr5-94834154-C-CCT.
Other names: short protein forms C1162fs.
Identifiers: ClinVar variation 2798627 (VCV002798627.3), dbSNP rs1443232033, ClinGen allele CA561278083.